The following is an entry in ClinVar:

ClinVar aggregate classification (germline): Conflicting classifications of pathogenicity. Review status: criteria provided, conflicting classifications (1 of 4 stars). 4 submissions from 4 submitters: Uncertain significance (3); Likely benign (1). Last evaluated 2026-06-30.

Conditions:
ZNF469-related disorder. Also called: ZNF469-related condition.
Cardiovascular phenotype. Identifiers: MedGen CN230736.

Allele frequency attached by ClinVar (database versions not stated): gnomAD exomes 0.00003 and 0.00007; gnomAD 0.00010; TOPMed 0.00012.
gnomAD v4.1: 62 of 1,550,038 alleles (0.004%); highest among the groups gnomAD compares: African/African-American, 0.056%; no homozygotes.

Submissions (4):

PreventionGenetics, part of Exact Sciences
Classification: Uncertain significance for ZNF469-related condition. Last evaluated: 2026-06-30. Review status: criteria provided, single submitter. Criteria: ACMG Guidelines, 2015. Collection method: clinical testing. Allele origin: germline.
Comment: The ZNF469 c.6092C>T variant is predicted to result in the amino acid substitution p.Pro2031Leu. To our knowledge, this variant has not been reported in the literature. This variant is reported in 0.031% of alleles in individuals of African descent in gnomAD. At this time, the clinical significance of this variant is uncertain due to the absence of conclusive functional and genetic evidence.

Women's Health and Genetics/Laboratory Corporation of America, LabCorp
Classification: Uncertain significance. Last evaluated: 2026-04-01. Review status: criteria provided, single submitter. Criteria: LabCorp Variant Classification Summary - May 2015. Collection method: clinical testing. Allele origin: germline.
Comment: Variant summary: ZNF469 c.6176C>T (p.Pro2059Leu) results in a non-conservative amino acid change in the encoded protein sequence. Algorithms developed to predict the effect of missense changes on protein structure and function are either unavailable or do not agree on the potential impact of this missense change. The variant allele was found at a frequency of 6.7e-05 in 149826 control chromosomes. This frequency is not significantly higher than estimated for disease-causing variants in ZNF469, allowing no conclusion about variant significance. To our knowledge, no occurrence of c.6176C>T in individuals affected with ZNF469-related conditions and no experimental evidence demonstrating its impact on protein function have been reported. ClinVar contains an entry for this variant (Variation ID: 1431273). Based on the evidence outlined above, the variant was classified as uncertain significance.

Labcorp Genetics (formerly Invitae), Labcorp
Classification: Uncertain significance. Last evaluated: 2022-06-25. Review status: criteria provided, single submitter. Criteria: Invitae Variant Classification Sherloc (09022015). Collection method: clinical testing. Allele origin: germline.
Comment: This sequence change replaces proline, which is neutral and non-polar, with leucine, which is neutral and non-polar, at codon 2031 of the ZNF469 protein (p.Pro2031Leu). This variant is present in population databases (no rsID available, gnomAD 0.03%). This variant has not been reported in the literature in individuals affected with ZNF469-related conditions. Algorithms developed to predict the effect of missense changes on protein structure and function (SIFT, PolyPhen-2, Align-GVGD) all suggest that this variant is likely to be tolerated. In summary, the available evidence is currently insufficient to determine the role of this variant in disease. Therefore, it has been classified as a Variant of Uncertain Significance.

Ambry Genetics
Classification: Likely benign for Cardiovascular phenotype. Last evaluated: 2022-01-30. Review status: criteria provided, single submitter. Criteria: Ambry Variant Classification Scheme 2023. Collection method: clinical testing. Allele origin: germline.

NM_001367624.2(ZNF469):c.6176C>T (p.Pro2059Leu)

Gene: ZNF469 (zinc finger protein 469; plus strand). Cytogenetic location: 16q24.2.
Variant type: single nucleotide variant.
Coding change: c.6176C>T on transcript NM_001367624.2 (MANE Select); coding-DNA position 6176, C replaced by T.
Protein change: p.Pro2059Leu; replaces proline 2059 with leucine.
Molecular consequence: missense variant.
Genome position (GRCh38, 1-based): chr16:88,433,646, C>T. VCF-style: chr16-88433646-C-T. GRCh37 (hg19) VCF-style: chr16-88500054-C-T.
Other names: NM_001127464.1:c.6092C>T; NM_001127464.2:c.6092C>T; short protein forms P2059L.
Identifiers: ClinVar variation 1431273 (VCV001431273.7), dbSNP rs955717531, ClinGen allele CA286381248.